The following is an entry in ClinVar:

NM_003978.5(PSTPIP1):c.587C>A (p.Ala196Glu)

Gene: PSTPIP1 (proline-serine-threonine phosphatase interacting protein 1; plus strand). Cytogenetic location: 15q24.3.
Variant type: single nucleotide variant.
Coding change: c.587C>A on transcript NM_003978.5 (MANE Select); coding-DNA position 587, C replaced by A.
Protein change: p.Ala196Glu; replaces alanine 196 with glutamic acid.
Molecular consequence: missense variant.
Genome position (GRCh38, 1-based): chr15:77,030,526, C>A. VCF-style: chr15-77030526-C-A. GRCh37 (hg19) VCF-style: chr15-77322867-C-A.
Other names: c.587C>A, p.Ala196Glu (NM_001321135.2, NM_001411086.1); c.560C>A, p.Ala187Glu (NM_001321136.2); c.782C>A, p.Ala261Glu (NM_001321137.1); short protein forms A261E, A187E, A196E.
Identifiers: ClinVar variation 2862934 (VCV002862934.3), dbSNP rs370965231, ClinGen allele CA7675896.

ClinVar aggregate classification (germline): Uncertain significance (1 of 4 stars; one submission).

Conditions:
Pyogenic arthritis-pyoderma gangrenosum-acne syndrome (PAPA). Also called: FAMILIAL RECURRENT ARTHRITIS; PAPA SYNDROME. Identifiers: Orphanet 69126, MedGen C1858361, MONDO:0011462, OMIM 604416.

gnomAD v4.1: 6 of 1,612,528 alleles (0.00037%); highest among the groups gnomAD compares: Non-Finnish European, 0.00051%; no homozygotes.

Submission:

Labcorp Genetics (formerly Invitae), Labcorp
Classification: Uncertain significance for Pyogenic arthritis-pyoderma gangrenosum-acne syndrome. Last evaluated: 2023-05-09. Review status: criteria provided, single submitter. Criteria: Invitae Variant Classification Sherloc (09022015). Collection method: clinical testing. Allele origin: germline.
Comment: This sequence change replaces alanine, which is neutral and non-polar, with glutamic acid, which is acidic and polar, at codon 196 of the PSTPIP1 protein (p.Ala196Glu). The frequency data for this variant in the population databases is considered unreliable, as metrics indicate poor data quality at this position in the gnomAD database. In summary, the available evidence is currently insufficient to determine the role of this variant in disease. Therefore, it has been classified as a Variant of Uncertain Significance. Advanced modeling of protein sequence and biophysical properties (such as structural, functional, and spatial information, amino acid conservation, physicochemical variation, residue mobility, and thermodynamic stability) performed at Invitae indicates that this missense variant is not expected to disrupt PSTPIP1 protein function. This variant has not been reported in the literature in individuals affected with PSTPIP1-related conditions.